The following is an entry in ClinVar:

NM_006904.7(PRKDC):c.1013T>C (p.Leu338Pro)

Gene: PRKDC (protein kinase, DNA-activated, catalytic subunit; minus strand). Cytogenetic location: 8q11.21.
Variant type: single nucleotide variant.
Coding change: c.1013T>C on transcript NM_006904.7 (MANE Select); coding-DNA position 1013, T replaced by C.
Protein change: p.Leu338Pro; replaces leucine 338 with proline.
Molecular consequence: missense variant.
Genome position (GRCh38, 1-based): chr8:47,939,651, A>G on the plus strand (T>C on the coding strand, the complement: PRKDC is on the minus strand). VCF-style: chr8-47939651-A-G. GRCh37 (hg19) VCF-style: chr8-48852211-A-G.
Other names: c.1013T>C, p.Leu338Pro (NM_001081640.2); short protein forms L338P.
Identifiers: ClinVar variation 3225699 (VCV003225699.1), dbSNP rs2154503961, ClinGen allele CA371166772.

ClinVar aggregate classification (germline): Uncertain significance (1 of 4 stars; one submission).

Allele frequency attached by ClinVar (database versions not stated): gnomAD exomes below 0.00001.
gnomAD v4.1: 2 of 1,610,358 alleles (0.00012%); highest among the groups gnomAD compares: Non-Finnish European, 0.00017%; no homozygotes.

Submission:

Ambry Genetics
Classification: Uncertain significance. Last evaluated: 2023-12-31. Review status: criteria provided, single submitter. Criteria: Ambry Variant Classification Scheme 2023. Collection method: clinical testing. Allele origin: germline.
Comment: The p.L338P variant (also known as c.1013T>C), located in coding exon 11 of the PRKDC gene, results from a T to C substitution at nucleotide position 1013. The leucine at codon 338 is replaced by proline, an amino acid with similar properties. This amino acid position is conserved. In addition, this alteration is predicted to be deleterious by in silico analysis. Since supporting evidence is limited at this time, the clinical significance of this alteration remains unclear.